The following is an entry in ClinVar:

ClinVar aggregate classification (germline): Pathogenic (1 of 4 stars; one submission).

Conditions:
3-methylcrotonyl-CoA carboxylase 1 deficiency (MCC1D). Also called: MCCD TYPE 1; METHYLCROTONYLGLYCINURIA TYPE I; MCC 1 deficiency; 3 Alpha methylcrotonylglycinuria 1. Identifiers: Orphanet 6, MedGen CN028786, MONDO:0008861, OMIM 210200.

Submission:

Labcorp Genetics (formerly Invitae), Labcorp
Classification: Pathogenic for 3-methylcrotonyl-CoA carboxylase 1 deficiency. Last evaluated: 2024-06-02. Review status: criteria provided, single submitter. Criteria: Invitae Variant Classification Sherloc (09022015). Collection method: clinical testing. Allele origin: germline.
Comment: This sequence change creates a premature translational stop signal (p.Ala318Argfs*12) in the MCCC1 gene. It is expected to result in an absent or disrupted protein product. Loss-of-function variants in MCCC1 are known to be pathogenic (PMID: 11181649, 15359379, 22642865). This variant is not present in population databases (gnomAD no frequency). This variant has not been reported in the literature in individuals affected with MCCC1-related conditions. ClinVar contains an entry for this variant (Variation ID: 1457334). For these reasons, this variant has been classified as Pathogenic.

Literature cited by the submitters: PubMed 11181649; PubMed 15359379; PubMed 22642865.

NM_020166.5(MCCC1):c.951_952del (p.Ala318fs)

Gene: MCCC1 (methylcrotonyl-CoA carboxylase subunit 1; minus strand). Cytogenetic location: 3q27.1.
Variant type: Deletion.
Coding change: c.951_952del on transcript NM_020166.5 (MANE Select); coding-DNA positions 951 to 952, 2 bases deleted (AG; older notation c.951_952delAG).
Protein change: p.Ala318fs; shifts the reading frame from alanine 318.
Molecular consequence: frameshift variant. On other transcripts: non-coding transcript variant (2).
Genome position (GRCh38, 1-based): chr3:183,052,162-183,052,163, CT deleted on the plus strand (AG on the coding strand, the reverse complement: MCCC1 is on the minus strand); deleting any 2 consecutive bases within chr3:183,052,162-183,052,164 gives the same sequence; the c. name uses the placement nearest the transcript's 3' end. VCF-style (leftmost placement, unchanged base first): chr3-183052161-GCT-G. GRCh37 (hg19) VCF-style: chr3-182769949-GCT-G.
Other names: c.600_601del, p.Ala201fs (NM_001293273.2); c.624_625del, p.Ala209fs (NM_001363880.1); short protein forms A318fs, A201fs, A209fs.
Identifiers: ClinVar variation 1457334 (VCV001457334.6), dbSNP rs2108496973, ClinGen allele CA2573136742.
Genomic context (GRCh38, chr3:183,052,161, plus strand): 5'-CTAAAACATAAATTAAACACTGTTACGTCTCTTCCATTAGAAGCAAATCTTAACCTACCT[GCT>G]CCAACATAATTTACAGCTTTAGCAGCTCTGACTGCAGCTTCTCCCAGCTTTTTTCTTACT-3'